The following is an entry in ClinVar:

ClinVar aggregate classification (germline): Benign. Review status: criteria provided, single submitter (1 of 4 stars). 2 submissions from 2 submitters: Benign (1). 1 of the submissions does not count toward it. Last evaluated 2026-02-02.

Conditions:
AHR-related disorder. Also called: AHR-related condition.

Allele frequency attached by ClinVar (database versions not stated): gnomAD exomes 0.00779 and 0.00366; ExAC 0.00865; gnomAD 0.02161 and 0.02270; 1000 Genomes Project 0.02256; ESP Exome Variant Server 0.02322; 1000 Genomes Project 30x 0.02358; TOPMed 0.02413.
gnomAD v4.1: 8,934 of 1,614,096 alleles (0.55%); highest among the groups gnomAD compares: African/African-American, 6.9%; 229 homozygotes.

Submissions (2):

Labcorp Genetics (formerly Invitae), Labcorp
Classification: Benign. Last evaluated: 2026-02-02. Review status: criteria provided, single submitter. Criteria: Invitae Variant Classification Sherloc (09022015). Collection method: clinical testing. Allele origin: germline.

PreventionGenetics, part of Exact Sciences
Classification: Benign for AHR-related condition. Last evaluated: 2020-02-17. Review status: no assertion criteria provided. Collection method: clinical testing. Allele origin: germline. Not counted in ClinVar's aggregate classification.
Comment: This variant is classified as benign based on ACMG/AMP sequence variant interpretation guidelines (Richards et al. 2015 PMID: 25741868, with internal and published modifications).

NM_001621.5(AHR):c.1708G>A (p.Val570Ile)

Gene: AHR (aryl hydrocarbon receptor; plus strand). Cytogenetic location: 7p21.1.
Variant type: single nucleotide variant.
Coding change: c.1708G>A on transcript NM_001621.5 (MANE Select); coding-DNA position 1708, G replaced by A.
Protein change: p.Val570Ile; replaces valine 570 with isoleucine.
Molecular consequence: missense variant.
Genome position (GRCh38, 1-based): chr7:17,339,533, G>A. VCF-style: chr7-17339533-G-A. GRCh37 (hg19) VCF-style: chr7-17379157-G-A.
Other names: short protein forms V570I.
Identifiers: ClinVar variation 780672 (VCV000780672.13), dbSNP rs4986826, ClinGen allele CA4172168.
Genomic context (GRCh38, chr7:17,339,533, plus strand): 5'-TTTGAAGACATCAGACACATGCAGAATGAAAAATTTTTCAGAAATGATTTTTCTGGTGAG[G>A]TTGACTTCAGAGACATTGACTTAACGGATGAAATCCTGACGTATGTCCAAGATTCTTTAA-3'
Protein context (NP_001612.1, residues 560-580): KFFRNDFSGE[Val570Ile]DFRDIDLTDE